The following is an entry in ClinVar:

ClinVar aggregate classification (germline): Uncertain significance (1 of 4 stars; one submission).

Conditions:
Inborn genetic diseases. Identifiers: MedGen C0950123, MeSH D030342.

Submission:

Ambry Genetics
Classification: Uncertain significance for Inborn genetic diseases. Last evaluated: 2025-09-12. Review status: criteria provided, single submitter. Criteria: Ambry Variant Classification Scheme 2023. Collection method: clinical testing. Allele origin: germline.
Comment: The p.K909E variant (also known as c.2725A>G), located in coding exon 13 of the ASXL1 gene, results from an A to G substitution at nucleotide position 2725. The lysine at codon 909 is replaced by glutamic acid, an amino acid with similar properties. This amino acid position is conserved. In addition, this alteration is predicted to be tolerated by in silico analysis. Based on the available evidence, the clinical significance of this variant remains unclear.

NM_015338.6(ASXL1):c.2725A>G (p.Lys909Glu)

Gene: ASXL1 (ASXL transcriptional regulator 1; plus strand). Cytogenetic location: 20q11.21.
Variant type: single nucleotide variant.
Coding change: c.2725A>G on transcript NM_015338.6 (MANE Select); coding-DNA position 2725, A replaced by G.
Protein change: p.Lys909Glu; replaces lysine 909 with glutamic acid.
Molecular consequence: missense variant.
Genome position (GRCh38, 1-based): chr20:32,435,437, A>G. VCF-style: chr20-32435437-A-G. GRCh37 (hg19) VCF-style: chr20-31023240-A-G.
Other names: c.2542A>G, p.Lys848Glu (NM_001363734.1); short protein forms K909E, K848E.
Identifiers: ClinVar variation 4159621 (VCV004159621.1).
Genomic context (GRCh38, chr20:32,435,437, plus strand): 5'-GCTCTCGTTTCTAACAGTTCTTTGCATTGGATACCCATCCCATCGAATGATGAGGTAGTG[A>G]AACAGCCCAAACCAGAATCCAGAGAACACATACCATCTGTTGAGCCCCAGGTTGGAGAGG-3'
Protein context (NP_056153.2, residues 899-919): IPIPSNDEVV[Lys909Glu]QPKPESREHI